The following is an entry in ClinVar:

ClinVar aggregate classification (germline): Uncertain significance (1 of 4 stars; one submission).

gnomAD v4.1: 1 of 1,612,862 alleles (0.000062%); highest among the groups gnomAD compares: Middle Eastern, 0.017%; no homozygotes.

Submission:

Labcorp Genetics (formerly Invitae), Labcorp
Classification: Uncertain significance. Last evaluated: 2021-08-31. Review status: criteria provided, single submitter. Criteria: Invitae Variant Classification Sherloc (09022015). Collection method: clinical testing. Allele origin: germline.
Comment: This sequence change replaces phenylalanine with tyrosine at codon 482 of the C7 protein (p.Phe482Tyr). The phenylalanine residue is moderately conserved and there is a small physicochemical difference between phenylalanine and tyrosine. This variant is not present in population databases (ExAC no frequency). This variant has not been reported in the literature in individuals affected with C7-related conditions. Algorithms developed to predict the effect of missense changes on protein structure and function output the following: SIFT: "Tolerated"; PolyPhen-2: "Benign"; Align-GVGD: "Class C0". The tyrosine amino acid residue is found in multiple mammalian species, which suggests that this missense change does not adversely affect protein function. In summary, the available evidence is currently insufficient to determine the role of this variant in disease. Therefore, it has been classified as a Variant of Uncertain Significance.

NM_000587.4(C7):c.1445T>A (p.Phe482Tyr)

Gene: C7 (complement C7; plus strand). Cytogenetic location: 5p13.1.
Variant type: single nucleotide variant.
Coding change: c.1445T>A on transcript NM_000587.4 (MANE Select); coding-DNA position 1445, T replaced by A.
Protein change: p.Phe482Tyr; replaces phenylalanine 482 with tyrosine.
Molecular consequence: missense variant.
Genome position (GRCh38, 1-based): chr5:40,958,217, T>A. VCF-style: chr5-40958217-T-A. GRCh37 (hg19) VCF-style: chr5-40958319-T-A.
Other names: short protein forms F482Y.
Identifiers: ClinVar variation 1446804 (VCV001446804.6), dbSNP rs773008283, ClinGen allele CA359586840.